The following is an entry in ClinVar:

NM_017662.5(TRPM6):c.209T>C (p.Ile70Thr)

Gene: TRPM6 (transient receptor potential cation channel subfamily M member 6; minus strand). Cytogenetic location: 9q21.13.
Variant type: single nucleotide variant.
Coding change: c.209T>C on transcript NM_017662.5 (MANE Select); coding-DNA position 209, T replaced by C.
Protein change: p.Ile70Thr; replaces isoleucine 70 with threonine.
Molecular consequence: missense variant.
Genome position (GRCh38, 1-based): chr9:74,842,287, A>G on the plus strand (T>C on the coding strand, the complement: TRPM6 is on the minus strand). VCF-style: chr9-74842287-A-G. GRCh37 (hg19) VCF-style: chr9-77457203-A-G.
Other names: c.194T>C, p.Ile65Thr (NM_001177310.2, NM_001177311.2); short protein forms I70T, I65T.
Identifiers: ClinVar variation 1502041 (VCV001502041.8), dbSNP rs778857717, ClinGen allele CA5085193.
Genomic context (GRCh38, chr9:74,842,287, plus strand): 5'-CTTTTCGTTGTGTGCTTTTCAACAGACCATTGTTCACTTTCTTTACCCTTGGCAGCTGAG[A>G]TGGTCCAGGAATAATCTATCCCAGCATGGTCTCCAATCAGTCGGCCACAGTAACACCTTA-3'
Protein context (NP_060132.3, residues 60-80): DHAGIDYSWT[Ile70Thr]SAAKGKESEQ

ClinVar aggregate classification (germline): Uncertain significance (1 of 4 stars; one submission).

Allele frequency attached by ClinVar (database versions not stated): TOPMed below 0.00001; gnomAD exomes 0.00001; ExAC 0.00002.

Submission:

Labcorp Genetics (formerly Invitae), Labcorp
Classification: Uncertain significance. Last evaluated: 2021-07-12. Review status: criteria provided, single submitter. Criteria: Invitae Variant Classification Sherloc (09022015). Collection method: clinical testing. Allele origin: germline.
Comment: In summary, the available evidence is currently insufficient to determine the role of this variant in disease. Therefore, it has been classified as a Variant of Uncertain Significance. Algorithms developed to predict the effect of missense changes on protein structure and function (SIFT, PolyPhen-2, Align-GVGD) all suggest that this variant is likely to be tolerated. This variant has not been reported in the literature in individuals affected with TRPM6-related conditions. This variant is present in population databases (rs778857717, ExAC 0.003%). This sequence change replaces isoleucine with threonine at codon 70 of the TRPM6 protein (p.Ile70Thr). The isoleucine residue is weakly conserved and there is a moderate physicochemical difference between isoleucine and threonine.